The following is an entry in ClinVar:

NM_003982.4(SLC7A7):c.439C>T (p.Leu147Phe)

Gene: SLC7A7 (solute carrier family 7 member 7; minus strand). Cytogenetic location: 14q11.2.
Variant type: single nucleotide variant.
Coding change: c.439C>T on transcript NM_003982.4 (MANE Select); coding-DNA position 439, C replaced by T.
Protein change: p.Leu147Phe; replaces leucine 147 with phenylalanine.
Molecular consequence: missense variant.
Genome position (GRCh38, 1-based): chr14:22,812,960, G>A on the plus strand (C>T on the coding strand, the complement: SLC7A7 is on the minus strand). VCF-style: chr14-22812960-G-A. GRCh37 (hg19) VCF-style: chr14-23282169-G-A.
Other names: p.Leu147Phe; c.439C>T, p.Leu147Phe (NM_001126105.3, NM_001126106.4); c.439C>T (NM_001126106.2); short protein forms L147F.
Identifiers: ClinVar variation 991475 (VCV000991475.6), dbSNP rs146280056, ClinGen allele CA7104711.

ClinVar aggregate classification (germline): Conflicting classifications of pathogenicity. Review status: criteria provided, conflicting classifications (1 of 4 stars). 5 submissions from 5 submitters: Uncertain significance (3); Likely benign (1). 1 of the submissions does not count toward it. Last evaluated 2024-05-10.

Conditions:
Lysinuric protein intolerance (LPI). Identifiers: Orphanet 470, MedGen C0268647, MONDO:0009109, OMIM 222700.
Inborn genetic diseases. Identifiers: MedGen C0950123, MeSH D030342.

Allele frequency attached by ClinVar (database versions not stated): gnomAD 0.00005 and 0.00006; TOPMed 0.00007; ESP Exome Variant Server 0.00008; ExAC 0.00012; gnomAD exomes 0.00014; 1000 Genomes Project 30x 0.00016; 1000 Genomes Project 0.00020.
gnomAD v4.1: 69 of 1,614,016 alleles (0.0043%); highest among the groups gnomAD compares: East Asian, 0.078%; no homozygotes.

Submissions (5):

Fulgent Genetics
Classification: Uncertain significance for Lysinuric protein intolerance. Last evaluated: 2024-05-10. Review status: criteria provided, single submitter. Criteria: ACMG Guidelines, 2015. Collection method: clinical testing. Allele origin: germline.

Mayo Clinic Laboratories, Mayo Clinic
Classification: Uncertain significance. Last evaluated: 2022-12-01. Review status: criteria provided, single submitter. Criteria: ACMG Guidelines, 2015. Collection method: clinical testing. Allele origin: germline. Observed: 1 variant allele.

Labcorp Genetics (formerly Invitae), Labcorp
Classification: Uncertain significance for Lysinuric protein intolerance. Last evaluated: 2022-07-16. Review status: criteria provided, single submitter. Criteria: Invitae Variant Classification Sherloc (09022015). Collection method: clinical testing. Allele origin: germline.
Comment: This sequence change replaces leucine, which is neutral and non-polar, with phenylalanine, which is neutral and non-polar, at codon 147 of the SLC7A7 protein (p.Leu147Phe). This variant is present in population databases (rs146280056, gnomAD 0.2%). This variant has not been reported in the literature in individuals affected with SLC7A7-related conditions. ClinVar contains an entry for this variant (Variation ID: 991475). Algorithms developed to predict the effect of missense changes on protein structure and function output the following: SIFT: "Tolerated"; PolyPhen-2: "Benign"; Align-GVGD: "Class C0". The phenylalanine amino acid residue is found in multiple mammalian species, which suggests that this missense change does not adversely affect protein function. In summary, the available evidence is currently insufficient to determine the role of this variant in disease. Therefore, it has been classified as a Variant of Uncertain Significance.

Ambry Genetics
Classification: Likely benign for Inborn genetic diseases. Last evaluated: 2022-06-16. Review status: criteria provided, single submitter. Criteria: Ambry Variant Classification Scheme 2023. Collection method: clinical testing. Allele origin: germline.

Natera, Inc.
Classification: Uncertain significance for Lysinuric protein intolerance. Last evaluated: 2020-04-17. Review status: no assertion criteria provided. Collection method: clinical testing. Allele origin: germline. Not counted in ClinVar's aggregate classification.